The following is an entry in ClinVar:

ClinVar aggregate classification (germline): Uncertain significance (1 of 4 stars; one submission).

Submission:

Labcorp Genetics (formerly Invitae), Labcorp
Classification: Uncertain significance. Last evaluated: 2024-12-24. Review status: criteria provided, single submitter. Criteria: Invitae Variant Classification Sherloc (09022015). Collection method: clinical testing. Allele origin: germline.
Comment: This sequence change replaces glutamic acid, which is acidic and polar, with glycine, which is neutral and non-polar, at codon 344 of the USH1C protein (p.Glu344Gly). This variant is not present in population databases (gnomAD no frequency). This variant has not been reported in the literature in individuals affected with USH1C-related conditions. An algorithm developed to predict the effect of missense changes on protein structure and function (PolyPhen-2) suggests that this variant is likely to be disruptive. In summary, the available evidence is currently insufficient to determine the role of this variant in disease. Therefore, it has been classified as a Variant of Uncertain Significance.

NM_153676.4(USH1C):c.1031A>G (p.Glu344Gly)

Gene: USH1C (USH1 protein network component harmonin; minus strand). Cytogenetic location: 11p15.1.
Variant type: single nucleotide variant.
Coding change: c.1031A>G on transcript NM_153676.4 (MANE Select); coding-DNA position 1031, A replaced by G.
Protein change: p.Glu344Gly; replaces glutamic acid 344 with glycine.
Molecular consequence: missense variant. On other transcripts: non-coding transcript variant (1).
Genome position (GRCh38, 1-based): chr11:17,521,400, T>C on the plus strand (A>G on the coding strand, the complement: USH1C is on the minus strand). VCF-style: chr11-17521400-T-C. GRCh37 (hg19) VCF-style: chr11-17542947-T-C.
Other names: c.974A>G, p.Glu325Gly (NM_001297764.2); c.1031A>G, p.Glu344Gly (NM_005709.4); short protein forms E325G, E344G.
Identifiers: ClinVar variation 3695933 (VCV003695933.2).
Genomic context (GRCh38, chr11:17,521,400, plus strand): 5'-ACTCACTGTTCCATCTCCTTCCGGTATCTCTCATTTTCCTCTGCTGCCTTCTGGGCAATT[T>C]CTTTTCTCCTTCTGAAACACAAATGCAGATTGGCATGTTTGGCCCTATGCAAGAGAAATG-3'
Protein context (NP_710142.1, residues 334-354): QQEMERQRRK[Glu344Gly]IAQKAAEENE